The following is an entry in ClinVar:

ClinVar aggregate classification (germline): Uncertain significance (1 of 4 stars; one submission).

Conditions:
Hypertrophic cardiomyopathy 10. Also called: MYL2-Related Familial Hypertrophic Cardiomyopathy; CARDIOMYOPATHY, HYPERTROPHIC, MID-LEFT VENTRICULAR CHAMBER TYPE, 2. Identifiers: MedGen C1834460, MONDO:0012112, OMIM 608758.

Submission:

Labcorp Genetics (formerly Invitae), Labcorp
Classification: Uncertain significance for Hypertrophic cardiomyopathy 10. Last evaluated: 2024-12-04. Review status: criteria provided, single submitter. Criteria: Invitae Variant Classification Sherloc (09022015). Collection method: clinical testing. Allele origin: germline.
Comment: This sequence change replaces glutamic acid, which is acidic and polar, with valine, which is neutral and non-polar, at codon 164 of the MYL2 protein (p.Glu164Val). This variant is not present in population databases (gnomAD no frequency). This variant has not been reported in the literature in individuals affected with MYL2-related conditions. An algorithm developed to predict the effect of missense changes on protein structure and function (PolyPhen-2) suggests that this variant is likely to be disruptive. In summary, the available evidence is currently insufficient to determine the role of this variant in disease. Therefore, it has been classified as a Variant of Uncertain Significance.

NM_000432.4(MYL2):c.491A>T (p.Glu164Val)

Gene: MYL2 (myosin light chain 2; minus strand). Cytogenetic location: 12q24.11.
Variant type: single nucleotide variant.
Coding change: c.491A>T on transcript NM_000432.4 (MANE Select); coding-DNA position 491, A replaced by T.
Protein change: p.Glu164Val; replaces glutamic acid 164 with valine.
Molecular consequence: missense variant.
Genome position (GRCh38, 1-based): chr12:110,911,087, T>A on the plus strand (A>T on the coding strand, the complement: MYL2 is on the minus strand). VCF-style: chr12-110911087-T-A. GRCh37 (hg19) VCF-style: chr12-111348891-T-A.
Other names: c.449A>T, p.Glu150Val (NM_001406745.1); c.434A>T, p.Glu145Val (NM_001406916.1); short protein forms E164V, E145V, E150V.
Identifiers: ClinVar variation 3726598 (VCV003726598.2).